The following is an entry in ClinVar:

ClinVar aggregate classification (germline): Uncertain significance (1 of 4 stars; one submission).

Conditions:
Transcobalamin II deficiency (TCN2D). Also called: Transcolabamin II deficiency; TC II DEFICIENCY; TCN2 DEFICIENCY. Identifiers: Orphanet 859, MedGen C0342701, MONDO:0010149, OMIM 275350.

Allele frequency attached by ClinVar (database versions not stated): gnomAD exomes below 0.00001 and 0.00001; ExAC 0.00001; gnomAD 0.00001; TOPMed 0.00001.
gnomAD v4.1: 3 of 1,613,768 alleles (0.00019%); highest among the groups gnomAD compares: East Asian, 0.0022%; no homozygotes.

Submission:

Labcorp Genetics (formerly Invitae), Labcorp
Classification: Uncertain significance for Transcobalamin II deficiency. Last evaluated: 2021-09-02. Review status: criteria provided, single submitter. Criteria: Invitae Variant Classification Sherloc (09022015). Collection method: clinical testing. Allele origin: germline.
Comment: This sequence change replaces asparagine with serine at codon 402 of the TCN2 protein (p.Asn402Ser). The asparagine residue is weakly conserved and there is a small physicochemical difference between asparagine and serine. This variant is present in population databases (rs749591278, ExAC 0.01%). This variant has not been reported in the literature in individuals affected with TCN2-related conditions. Algorithms developed to predict the effect of missense changes on protein structure and function (SIFT, PolyPhen-2, Align-GVGD) all suggest that this variant is likely to be tolerated. In summary, the available evidence is currently insufficient to determine the role of this variant in disease. Therefore, it has been classified as a Variant of Uncertain Significance.

NM_000355.4(TCN2):c.1205A>G (p.Asn402Ser)

Gene: TCN2 (transcobalamin 2; plus strand). Cytogenetic location: 22q12.2.
Variant type: single nucleotide variant.
Coding change: c.1205A>G on transcript NM_000355.4 (MANE Select); coding-DNA position 1205, A replaced by G.
Protein change: p.Asn402Ser; replaces asparagine 402 with serine.
Molecular consequence: missense variant.
Genome position (GRCh38, 1-based): chr22:30,623,066, A>G. VCF-style: chr22-30623066-A-G. GRCh37 (hg19) VCF-style: chr22-31019053-A-G.
Other names: c.1124A>G, p.Asn375Ser (NM_001184726.2); short protein forms N402S, N375S.
Identifiers: ClinVar variation 1365392 (VCV001365392.5), dbSNP rs749591278, ClinGen allele CA10185018.